The following is an entry in ClinVar:

ClinVar aggregate classification (germline): Uncertain significance (1 of 4 stars; one submission).

Submission:

Labcorp Genetics (formerly Invitae), Labcorp
Classification: Uncertain significance. Last evaluated: 2024-03-15. Review status: criteria provided, single submitter. Criteria: Invitae Variant Classification Sherloc (09022015). Collection method: clinical testing. Allele origin: germline.
Comment: This sequence change replaces serine, which is neutral and polar, with arginine, which is basic and polar, at codon 747 of the EMC1 protein (p.Ser747Arg). This variant is not present in population databases (gnomAD no frequency). This variant has not been reported in the literature in individuals affected with EMC1-related conditions. Advanced modeling of protein sequence and biophysical properties (such as structural, functional, and spatial information, amino acid conservation, physicochemical variation, residue mobility, and thermodynamic stability) performed at Invitae indicates that this missense variant is expected to disrupt EMC1 protein function with a positive predictive value of 80%. In summary, the available evidence is currently insufficient to determine the role of this variant in disease. Therefore, it has been classified as a Variant of Uncertain Significance.

NM_015047.3(EMC1):c.2241C>G (p.Ser747Arg)

Genes: EMC1 (ER membrane protein complex subunit 1; minus strand), EMC1-AS1 (EMC1 antisense RNA 1; plus strand). Cytogenetic location: 1p36.13.
Variant type: single nucleotide variant.
Coding change: c.2241C>G on transcript NM_015047.3 (MANE Select); coding-DNA position 2241, C replaced by G.
Protein change: p.Ser747Arg; replaces serine 747 with arginine.
Molecular consequence: missense variant.
Genome position (GRCh38, 1-based): chr1:19,223,531, G>C on the plus strand (C>G on the coding strand, the complement: EMC1 is on the minus strand). VCF-style: chr1-19223531-G-C. GRCh37 (hg19) VCF-style: chr1-19550025-G-C.
Other names: c.2238C>G, p.Ser746Arg (NM_001271427.2, NM_001271428.2); c.2175C>G, p.Ser725Arg (NM_001271429.2); c.2250C>G, p.Ser750Arg (NM_001375820.1); c.2247C>G, p.Ser749Arg (NM_001375821.1); short protein forms S750R, S746R, S725R, S747R, S749R.
Identifiers: ClinVar variation 3646128 (VCV003646128.2).